The following is an entry in ClinVar:

ClinVar aggregate classification (germline): Uncertain significance (1 of 4 stars; one submission).

Submission:

Labcorp Genetics (formerly Invitae), Labcorp
Classification: Uncertain significance. Last evaluated: 2022-10-17. Review status: criteria provided, single submitter. Criteria: Invitae Variant Classification Sherloc (09022015). Collection method: clinical testing. Allele origin: germline.
Comment: This variant has not been reported in the literature in individuals affected with DCHS1-related conditions. In summary, the available evidence is currently insufficient to determine the role of this variant in disease. Therefore, it has been classified as a Variant of Uncertain Significance. Advanced modeling of protein sequence and biophysical properties (such as structural, functional, and spatial information, amino acid conservation, physicochemical variation, residue mobility, and thermodynamic stability) performed at Invitae indicates that this missense variant is not expected to disrupt DCHS1 protein function. This variant is not present in population databases (gnomAD no frequency). This sequence change replaces proline, which is neutral and non-polar, with histidine, which is basic and polar, at codon 2185 of the DCHS1 protein (p.Pro2185His).

NM_003737.4(DCHS1):c.6554C>A (p.Pro2185His)

Gene: DCHS1 (dachsous cadherin-related 1; minus strand). Cytogenetic location: 11p15.4.
Variant type: single nucleotide variant.
Coding change: c.6554C>A on transcript NM_003737.4 (MANE Select); coding-DNA position 6554, C replaced by A.
Protein change: p.Pro2185His; replaces proline 2185 with histidine.
Molecular consequence: missense variant.
Genome position (GRCh38, 1-based): chr11:6,626,191, G>T on the plus strand (C>A on the coding strand, the complement: DCHS1 is on the minus strand). VCF-style: chr11-6626191-G-T. GRCh37 (hg19) VCF-style: chr11-6647422-G-T.
Other names: short protein forms P2185H.
Identifiers: ClinVar variation 1721323 (VCV001721323.5), dbSNP rs2493816525, ClinGen allele CA379387887.